The following is an entry in ClinVar:

NM_001330260.2(SCN8A):c.5614C>G (p.Arg1872Gly)

Gene: SCN8A (sodium voltage-gated channel alpha subunit 8; plus strand). Cytogenetic location: 12q13.13.
Variant type: single nucleotide variant.
Coding change: c.5614C>G on transcript NM_001330260.2 (MANE Select); coding-DNA position 5614, C replaced by G.
Protein change: p.Arg1872Gly; replaces arginine 1872 with glycine.
Molecular consequence: missense variant.
Genome position (GRCh38, 1-based): chr12:51,807,100, C>G. VCF-style: chr12-51807100-C-G. GRCh37 (hg19) VCF-style: chr12-52200884-C-G.
Other names: c.5491C>G, p.Arg1831Gly (NM_001177984.3, NM_001369788.1); c.5614C>G, p.Arg1872Gly (NM_014191.4); short protein forms R1872G, R1831G.
Identifiers: ClinVar variation 426434 (VCV000426434.4), dbSNP rs796053228, ClinGen allele CA384888065.

ClinVar aggregate classification (germline): Pathogenic (1 of 4 stars; one submission).

Submission:

GeneDx
Classification: Pathogenic. Last evaluated: 2022-06-13. Review status: criteria provided, single submitter. Criteria: GeneDx Variant Classification Process June 2021. Collection method: clinical testing. Allele origin: germline. Affected: yes.
Comment: Not observed at significant frequency in large population cohorts (gnomAD); Missense variants in this gene are often considered pathogenic (HGMD); In silico analysis supports that this missense variant has a deleterious effect on protein structure/function; This substitution is predicted to be within the C-terminal cytoplasmic domain; Has not been previously published as pathogenic or benign to our knowledge